The following is an entry in ClinVar:

ClinVar aggregate classification (germline): Uncertain significance (1 of 4 stars; one submission).

Conditions:
Alstrom syndrome (ALMS). Identifiers: Orphanet 64, MedGen C0268425, MONDO:0008763, OMIM 203800.

Submission:

Labcorp Genetics (formerly Invitae), Labcorp
Classification: Uncertain significance for Alstrom syndrome. Last evaluated: 2025-04-23. Review status: criteria provided, single submitter. Criteria: Invitae Variant Classification Sherloc (09022015). Collection method: clinical testing. Allele origin: germline.
Comment: This sequence change replaces alanine, which is neutral and non-polar, with serine, which is neutral and polar, at codon 3918 of the ALMS1 protein (p.Ala3918Ser). This variant is present in population databases (rs767629640, gnomAD 0.0009%). This variant has not been reported in the literature in individuals affected with ALMS1-related conditions. Experimental studies and prediction algorithms are not available or were not evaluated, and the functional significance of this variant is currently unknown. In summary, the available evidence is currently insufficient to determine the role of this variant in disease. Therefore, it has been classified as a Variant of Uncertain Significance.

NM_001378454.1(ALMS1):c.11749G>T (p.Ala3917Ser)

Gene: ALMS1 (ALMS1 centrosome and basal body associated protein; plus strand). Cytogenetic location: 2p13.1.
Variant type: single nucleotide variant.
Coding change: c.11749G>T on transcript NM_001378454.1 (MANE Select); coding-DNA position 11749, G replaced by T.
Protein change: p.Ala3917Ser; replaces alanine 3917 with serine.
Molecular consequence: missense variant.
Genome position (GRCh38, 1-based): chr2:73,600,758, G>T. VCF-style: chr2-73600758-G-T. GRCh37 (hg19) VCF-style: chr2-73827885-G-T.
Other names: c.11752G>T, p.Ala3918Ser (NM_015120.4); short protein forms A3918S, A3917S.
Identifiers: ClinVar variation 4717189 (VCV004717189.1).